The following is an entry in ClinVar:

ClinVar aggregate classification (germline): Uncertain significance. Review status: criteria provided, multiple submitters, no conflicts (2 of 4 stars). 4 submissions from 4 submitters: Uncertain significance (4). Last evaluated 2026-01-26.

Conditions:
Familial spontaneous pneumothorax (PSP). Identifiers: Orphanet 2903, MedGen C1868193, MONDO:0008259, OMIM 173600.
17p11.2 microduplication syndrome (PTLS). Also called: CHROMOSOME 17p11.2 DUPLICATION SYNDROME; Potocki-Lupski syndrome; Duplication 17p11.2 syndrome; Potocki-Lupski syndrome (dup(17)(p11.2p11.2)). Identifiers: Orphanet 1713, MedGen C2931246, MONDO:0012574, OMIM 610883.
Nonpapillary renal cell carcinoma. Identifiers: Orphanet 422526, MedGen CN074294, MONDO:0007763, OMIM 144700.
Birt-Hogg-Dube syndrome. Also called: Birt Hogg Dubé syndrome. Identifiers: Orphanet 122, MedGen C0346010, MONDO:0800444.
Colorectal cancer. Also called: Colorectal cancer, somatic; Malignant Colorectal Neoplasm. Identifiers: MedGen C0346629, MONDO:0005575, OMIM 114500.
Hereditary cancer-predisposing syndrome. Also called: Hereditary neoplastic syndrome; Tumor predisposition; Neoplastic Syndromes, Hereditary; Hereditary Cancer Syndrome. Identifiers: Orphanet 140162, MedGen C0027672, MeSH D009386, MONDO:0015356.

Allele frequency attached by ClinVar (database versions not stated): gnomAD exomes below 0.00001 and 0.00001; ExAC 0.00001.
gnomAD v4.1: 5 of 1,614,106 alleles (0.00031%); highest among the groups gnomAD compares: Non-Finnish European, 0.00042%; no homozygotes.

Submissions (4):

Labcorp Genetics (formerly Invitae), Labcorp
Classification: Uncertain significance for Birt-Hogg-Dube syndrome. Last evaluated: 2026-01-26. Review status: criteria provided, single submitter. Criteria: Invitae Variant Classification Sherloc (09022015). Collection method: clinical testing. Allele origin: germline.
Comment: This sequence change replaces proline, which is neutral and non-polar, with leucine, which is neutral and non-polar, at codon 74 of the FLCN protein (p.Pro74Leu). This variant is present in population databases (rs773648142, gnomAD 0.0009%). This variant has not been reported in the literature in individuals affected with FLCN-related conditions. ClinVar contains an entry for this variant (Variation ID: 856221). Invitae Evidence Modeling of protein sequence and biophysical properties (such as structural, functional, and spatial information, amino acid conservation, physicochemical variation, residue mobility, and thermodynamic stability) indicates that this missense variant is not expected to disrupt FLCN protein function with a negative predictive value of 80%. In summary, the available evidence is currently insufficient to determine the role of this variant in disease. Therefore, it has been classified as a Variant of Uncertain Significance.

GeneDx
Classification: Uncertain significance. Last evaluated: 2025-06-12. Review status: criteria provided, single submitter. Criteria: GeneDx Variant Classification Process June 2021. Collection method: clinical testing. Allele origin: germline. Affected: yes.
Comment: Not observed at significant frequency in large population cohorts (gnomAD); In silico analysis suggests that this missense variant does not alter protein structure/function; Has not been previously published as pathogenic or benign to our knowledge

Ambry Genetics
Classification: Uncertain significance for Hereditary cancer-predisposing syndrome. Last evaluated: 2024-08-28. Review status: criteria provided, single submitter. Criteria: Ambry Variant Classification Scheme 2023. Collection method: clinical testing. Allele origin: germline.
Comment: The p.P74L variant (also known as c.221C>T), located in coding exon 1 of the FLCN gene, results from a C to T substitution at nucleotide position 221. The proline at codon 74 is replaced by leucine, an amino acid with similar properties. This amino acid position is well conserved in available vertebrate species. In addition, the in silico prediction for this alteration is inconclusive. Since supporting evidence is limited at this time, the clinical significance of this alteration remains unclear.

Fulgent Genetics
Classification: Uncertain significance for Colorectal cancer; Birt-Hogg-Dube syndrome 1; Nonpapillary renal cell carcinoma; Familial spontaneous pneumothorax; 17p11.2 microduplication syndrome. Last evaluated: 2022-05-18. Review status: criteria provided, single submitter. Criteria: ACMG Guidelines, 2015. Collection method: clinical testing. Allele origin: unknown.

NM_144997.7(FLCN):c.221C>T (p.Pro74Leu)

Gene: FLCN (folliculin; minus strand). Cytogenetic location: 17p11.2.
Variant type: single nucleotide variant.
Coding change: c.221C>T on transcript NM_144997.7 (MANE Select); coding-DNA position 221, C replaced by T.
Protein change: p.Pro74Leu; replaces proline 74 with leucine.
Molecular consequence: missense variant.
Genome position (GRCh38, 1-based): chr17:17,227,917, G>A on the plus strand (C>T on the coding strand, the complement: FLCN is on the minus strand). VCF-style: chr17-17227917-G-A. GRCh37 (hg19) VCF-style: chr17-17131231-G-A.
Other names: c.221C>T, p.Pro74Leu (NM_001353229.2, NM_001353230.2, NM_001353231.2 and 1 more transcripts); short protein forms P74L.
Identifiers: ClinVar variation 856221 (VCV000856221.12), dbSNP rs773648142, ClinGen allele CA8416492.